The following is an entry in ClinVar:

ClinVar aggregate classification (germline): Uncertain significance. Review status: criteria provided, multiple submitters, no conflicts (2 of 4 stars). 5 submissions from 5 submitters: Uncertain significance (5). Last evaluated 2025-02-13.

Conditions:
Hereditary cancer-predisposing syndrome. Also called: Neoplastic Syndromes, Hereditary; Hereditary Cancer Syndrome; Tumor predisposition; Hereditary neoplastic syndrome. Identifiers: Orphanet 140162, MedGen C0027672, MeSH D009386, MONDO:0015356.
HOXB13-related disorder. Also called: HOXB13-related condition; HOXB13-related disorders.

Allele frequency attached by ClinVar (database versions not stated): TOPMed below 0.00001; gnomAD exomes 0.00001.

Submissions (5):

Quest Diagnostics Nichols Institute San Juan Capistrano
Classification: Uncertain significance. Last evaluated: 2025-02-13. Review status: criteria provided, single submitter. Criteria: Quest Diagnostics criteria. Collection method: clinical testing. Allele origin: unknown.
Comment: The HOXB13 c.635C>T (p.Ala212Val) variant has been identified in the published literature in in reportedly healthy individuals (PMID: 31214711 (2020), 36243179 (2022)). This variant has not been reported in large, multi-ethnic general populations (Genome Aggregation Database). Analysis of this variant using bioinformatics tools for the prediction of the effect of amino acid changes on protein structure and function yielded predictions that this variant is benign. Based on the available information, we are unable to determine the clinical significance of this variant.

Labcorp Genetics (formerly Invitae), Labcorp
Classification: Uncertain significance. Last evaluated: 2024-11-25. Review status: criteria provided, single submitter. Criteria: Invitae Variant Classification Sherloc (09022015). Collection method: clinical testing. Allele origin: germline.
Comment: This sequence change replaces alanine, which is neutral and non-polar, with valine, which is neutral and non-polar, at codon 212 of the HOXB13 protein (p.Ala212Val). This variant is not present in population databases (gnomAD no frequency). This variant has not been reported in the literature in individuals affected with HOXB13-related conditions. ClinVar contains an entry for this variant (Variation ID: 1038652). Invitae Evidence Modeling of protein sequence and biophysical properties (such as structural, functional, and spatial information, amino acid conservation, physicochemical variation, residue mobility, and thermodynamic stability) indicates that this missense variant is not expected to disrupt HOXB13 protein function with a negative predictive value of 80%. In summary, the available evidence is currently insufficient to determine the role of this variant in disease. Therefore, it has been classified as a Variant of Uncertain Significance.

Ambry Genetics
Classification: Uncertain significance for Hereditary cancer-predisposing syndrome. Last evaluated: 2024-09-06. Review status: criteria provided, single submitter. Criteria: Ambry Variant Classification Scheme 2023. Collection method: clinical testing. Allele origin: germline.
Comment: The p.A212V variant (also known as c.635C>T), located in coding exon 2 of the HOXB13 gene, results from a C to T substitution at nucleotide position 635. The alanine at codon 212 is replaced by valine, an amino acid with similar properties. This amino acid position is poorly conserved in available vertebrate species. In addition, this alteration is predicted to be tolerated by in silico analysis. Based on the available evidence, the clinical significance of this variant remains unclear.

GeneDx
Classification: Uncertain significance. Last evaluated: 2023-11-07. Review status: criteria provided, single submitter. Criteria: GeneDx Variant Classification Process June 2021. Collection method: clinical testing. Allele origin: germline. Affected: yes.
Comment: Not observed at significant frequency in large population cohorts (gnomAD); In silico analysis supports that this missense variant does not alter protein structure/function; Not observed in any cases, but was observed in unaffected controls in a biliary tract cancer study (PMID: 36243179); This variant is associated with the following publications: (PMID: 19389631, 36243179)

PreventionGenetics, part of Exact Sciences
Classification: Uncertain significance for HOXB13-related condition. Last evaluated: 2022-10-10. Review status: criteria provided, single submitter. Criteria: ACMG Guidelines, 2015. Collection method: clinical testing. Allele origin: germline.
Comment: The HOXB13 c.635C>T variant is predicted to result in the amino acid substitution p.Ala212Val. To our knowledge, this variant has not been reported in the literature or in a large population database, indicating this variant is rare. In ClinVar, this is interpreted as a variant of uncertain significance. At this time, the clinical significance of this variant is uncertain due to the absence of conclusive functional and genetic evidence.

Literature cited by the submitters: PubMed 36243179 (cited by Quest Diagnostics Nichols Institute San Juan Capistrano); PubMed 31214711 (cited by Quest Diagnostics Nichols Institute San Juan Capistrano).

NM_006361.6(HOXB13):c.635C>T (p.Ala212Val)

Gene: HOXB13 (homeobox B13; minus strand). Cytogenetic location: 17q21.32.
Variant type: single nucleotide variant.
Coding change: c.635C>T on transcript NM_006361.6 (MANE Select); coding-DNA position 635, C replaced by T.
Protein change: p.Ala212Val; replaces alanine 212 with valine.
Molecular consequence: missense variant.
Genome position (GRCh38, 1-based): chr17:48,727,010, G>A on the plus strand (C>T on the coding strand, the complement: HOXB13 is on the minus strand). VCF-style: chr17-48727010-G-A. GRCh37 (hg19) VCF-style: chr17-46804372-G-A.
Other names: short protein forms A212V.
Identifiers: ClinVar variation 1038652 (VCV001038652.12), dbSNP rs1183833401, ClinGen allele CA400106956.
Genomic context (GRCh38, chr17:48,727,010, plus strand): 5'-TCCAGCTCCCGCAACTGCCCCTTGCTGTACGGAATGCGTTTCTTGCGGCCGCGACGAAAG[G>A]CGCAGGCGTCAGGAGGGTGCTGCCCGCTGGAGTCTGCGCGGCGTGAAAGGGAGGGAGGAA-3'
Protein context (NP_006352.2, residues 202-222): SSGQHPPDAC[Ala212Val]FRRGRKKRIP